The following is an entry in ClinVar:

ClinVar aggregate classification (germline): Uncertain significance (1 of 4 stars; one submission).

Conditions:
PKD1-related disorder. Also called: PKD1-related condition.

gnomAD v4.1: 10 of 1,609,580 alleles (0.00062%); highest among the groups gnomAD compares: East Asian, 0.0067%; no homozygotes.

Submission:

PreventionGenetics, part of Exact Sciences
Classification: Uncertain significance for PKD1-related condition. Last evaluated: 2026-02-18. Review status: criteria provided, single submitter. Criteria: ACMG Guidelines, 2015. Collection method: clinical testing. Allele origin: germline.
Comment: The PKD1 c.7621C>G variant is predicted to result in the amino acid substitution p.Pro2541Ala. To our knowledge, this variant has not been reported in the literature. This variant is reported in 0.013% of alleles in individuals of South Asian descent in gnomAD. Alternate missense changes at the same amino acid position (c.7622C>G, p.Pro2541Arg; c.7622C>T, p.Pro2541Leu) have been described in individuals with polycystic kidney disease, however limited evidence was provided for pathogenicity (Table S1, Kimura et al. 2023. PubMed ID: 37509056; Table S3, Cornec-Le Gall et al. 2016. PubMed ID: 26150605). At this time, the clinical significance of the p.Pro2541Ala variant is uncertain due to the absence of conclusive functional and genetic evidence.

NM_001009944.3(PKD1):c.7621C>G (p.Pro2541Ala)

Gene: PKD1 (polycystin 1, transient receptor potential channel interacting; minus strand). Cytogenetic location: 16p13.3.
Variant type: single nucleotide variant.
Coding change: c.7621C>G on transcript NM_001009944.3 (MANE Select); coding-DNA position 7621, C replaced by G.
Protein change: p.Pro2541Ala; replaces proline 2541 with alanine.
Molecular consequence: missense variant.
Genome position (GRCh38, 1-based): chr16:2,106,173, G>C on the plus strand (C>G on the coding strand, the complement: PKD1 is on the minus strand). VCF-style: chr16-2106173-G-C. GRCh37 (hg19) VCF-style: chr16-2156174-G-C.
Other names: c.7621C>G, p.Pro2541Ala (NM_000296.4); short protein forms P2541A.
Identifiers: ClinVar variation 4984803 (VCV004984803.1).
Genomic context (GRCh38, chr16:2,106,173, plus strand): 5'-CTCCCAGCTGGTCCTGCACCACCACGGCCAGGCCCACCTCGAAGTGTGGCCTGAAACCCG[G>C]GGGCAGCACGGCTCCGTAGCTGGAGAGGCTGCCCTTGTAGACACAGAACTCCTCGCAGTG-3'
Protein context (NP_001009944.3, residues 2531-2551): SLSSYGAVLP[Pro2541Ala]GFRPHFEVGL